The following is an entry in ClinVar:

ClinVar aggregate classification (germline): Uncertain significance (1 of 4 stars; one submission).

Allele frequency attached by ClinVar (database versions not stated): ExAC 0.00001; gnomAD 0.00001; gnomAD exomes 0.00001.
gnomAD v4.1: 15 of 1,613,028 alleles (0.00093%); highest among the groups gnomAD compares: Non-Finnish European, 0.0012%; no homozygotes.

Submission:

Labcorp Genetics (formerly Invitae), Labcorp
Classification: Uncertain significance. Last evaluated: 2023-01-17. Review status: criteria provided, single submitter. Criteria: Invitae Variant Classification Sherloc (09022015). Collection method: clinical testing. Allele origin: germline.
Comment: This sequence change replaces arginine, which is basic and polar, with cysteine, which is neutral and slightly polar, at codon 602 of the KIF2A protein (p.Arg602Cys). This variant is present in population databases (rs771417898, gnomAD 0.0009%). This variant has not been reported in the literature in individuals affected with KIF2A-related conditions. Algorithms developed to predict the effect of missense changes on protein structure and function are either unavailable or do not agree on the potential impact of this missense change (SIFT: "Deleterious"; PolyPhen-2: "Possibly Damaging"; Align-GVGD: "Class C0"). In summary, the available evidence is currently insufficient to determine the role of this variant in disease. Therefore, it has been classified as a Variant of Uncertain Significance.

NM_001098511.3(KIF2A):c.1804C>T (p.Arg602Cys)

Gene: KIF2A (kinesin family member 2A; plus strand). Cytogenetic location: 5q12.1.
Variant type: single nucleotide variant.
Coding change: c.1804C>T on transcript NM_001098511.3 (MANE Select); coding-DNA position 1804, C replaced by T.
Protein change: p.Arg602Cys; replaces arginine 602 with cysteine.
Molecular consequence: missense variant.
Genome position (GRCh38, 1-based): chr5:62,373,730, C>T. VCF-style: chr5-62373730-C-T. GRCh37 (hg19) VCF-style: chr5-61669557-C-T.
Other names: c.1609C>T, p.Arg537Cys (NM_001243952.2); c.1633C>T, p.Arg545Cys (NM_001243953.2); c.1690C>T, p.Arg564Cys (NM_004520.5); short protein forms R602C, R564C, R537C, R545C.
Identifiers: ClinVar variation 2125225 (VCV002125225.4), dbSNP rs771417898, ClinGen allele CA3279055.
Genomic context (GRCh38, chr5:62,373,730, plus strand): 5'-CTCTTATGTATTTATAGGGTCAAAGAATTGACTGTAGATCCAACTGCTGCTGGTGATGTT[C>T]GTCCAATAATGCACCATCCACCAAACCAGATTGATGACTTAGAGACACAGTGGGGTGTGG-3'
Protein context (NP_001091981.1, residues 592-612): TVDPTAAGDV[Arg602Cys]PIMHHPPNQI